The following is an entry in ClinVar:

NM_001364857.2(ADGRB2):c.3077T>C (p.Ile1026Thr)

Gene: ADGRB2 (adhesion G protein-coupled receptor B2; minus strand). Cytogenetic location: 1p35.2.
Variant type: single nucleotide variant.
Coding change: c.3077T>C on transcript NM_001364857.2 (MANE Select); coding-DNA position 3077, T replaced by C.
Protein change: p.Ile1026Thr; replaces isoleucine 1026 with threonine.
Molecular consequence: missense variant.
Genome position (GRCh38, 1-based): chr1:31,736,626, A>G on the plus strand (T>C on the coding strand, the complement: ADGRB2 is on the minus strand). VCF-style: chr1-31736626-A-G. GRCh37 (hg19) VCF-style: chr1-32202227-A-G.
Other names: c.3077T>C, p.Ile1026Thr (NM_001294335.2, NM_001294336.2, NM_001703.2); short protein forms I1026T.
Identifiers: ClinVar variation 2069342 (VCV002069342.6), dbSNP rs751936334, ClinGen allele CA735457.

ClinVar aggregate classification (germline): Uncertain significance. Review status: criteria provided, multiple submitters, no conflicts (2 of 4 stars). 2 submissions from 2 submitters: Uncertain significance (2). Last evaluated 2026-01-03.

Allele frequency attached by ClinVar (database versions not stated): TOPMed 0.00005; gnomAD 0.00006; gnomAD exomes 0.00006; ExAC 0.00013.
gnomAD v4.1: 99 of 1,614,022 alleles (0.0061%); highest among the groups gnomAD compares: South Asian, 0.034%; no homozygotes.

Submissions (2):

Labcorp Genetics (formerly Invitae), Labcorp
Classification: Uncertain significance. Last evaluated: 2026-01-03. Review status: criteria provided, single submitter. Criteria: Invitae Variant Classification Sherloc (09022015). Collection method: clinical testing. Allele origin: germline.
Comment: This sequence change replaces isoleucine, which is neutral and non-polar, with threonine, which is neutral and polar, at codon 1026 of the ADGRB2 protein (p.Ile1026Thr). This variant is present in population databases (rs751936334, gnomAD 0.04%). This variant has not been reported in the literature in individuals affected with ADGRB2-related conditions. ClinVar contains an entry for this variant (Variation ID: 2069342). Experimental studies and prediction algorithms are not available or were not evaluated, and the functional significance of this variant is currently unknown. In summary, the available evidence is currently insufficient to determine the role of this variant in disease. Therefore, it has been classified as a Variant of Uncertain Significance.

Ambry Genetics
Classification: Uncertain significance. Last evaluated: 2023-02-23. Review status: criteria provided, single submitter. Criteria: Ambry Variant Classification Scheme 2023. Collection method: clinical testing. Allele origin: germline.